The following is an entry in ClinVar:

NM_015557.3(CHD5):c.124G>C (p.Val42Leu)

Gene: CHD5 (chromodomain helicase DNA binding protein 5; minus strand). Cytogenetic location: 1p36.31.
Variant type: single nucleotide variant.
Coding change: c.124G>C on transcript NM_015557.3 (MANE Select); coding-DNA position 124, G replaced by C.
Protein change: p.Val42Leu; replaces valine 42 with leucine.
Molecular consequence: missense variant.
Genome position (GRCh38, 1-based): chr1:6,168,233, C>G on the plus strand (G>C on the coding strand, the complement: CHD5 is on the minus strand). VCF-style: chr1-6168233-C-G. GRCh37 (hg19) VCF-style: chr1-6228293-C-G.
Other names: short protein forms V42L.
Identifiers: ClinVar variation 4885182 (VCV004885182.2).

ClinVar aggregate classification (germline): Uncertain significance (1 of 4 stars; one submission).

gnomAD v4.1: 1 of 1,611,130 alleles (0.000062%); highest among the groups gnomAD compares: Non-Finnish European, 0.000085%; no homozygotes.

Submission:

Dasa
Classification: Uncertain significance. Last evaluated: 2024-10-11. Review status: criteria provided, single submitter. Criteria: DASA Assertion Criteria. Collection method: clinical testing. Allele origin: germline.
Comment: NM_015557.3(CHD5):c.124G>C (p.Val42Leu) is a missense variant that results in the substitution of valine with leucine. This variant is rare in population databases. Computational prediction algorithms are consistent with a benign effect. The currently available literature and clinical evidence are not sufficient to establish a definitive association between this variant and the reported condition. Therefore, this variant is classified as a variant of uncertain significance.